The following is an entry in ClinVar:

ClinVar aggregate classification (germline): Uncertain significance (1 of 4 stars; one submission).

gnomAD v4.1: 7 of 1,611,824 alleles (0.00043%); no homozygotes.

Submission:

Labcorp Genetics (formerly Invitae), Labcorp
Classification: Uncertain significance. Last evaluated: 2025-08-20. Review status: criteria provided, single submitter. Criteria: Invitae Variant Classification Sherloc (09022015). Collection method: clinical testing. Allele origin: germline.
Comment: This sequence change replaces arginine, which is basic and polar, with glutamine, which is neutral and polar, at codon 1421 of the ROBO1 protein (p.Arg1421Gln). This variant is present in population databases (rs765639419, gnomAD 0.009%). This variant has not been reported in the literature in individuals affected with ROBO1-related conditions. Invitae Evidence Modeling of protein sequence and biophysical properties (such as structural, functional, and spatial information, amino acid conservation, physicochemical variation, residue mobility, and thermodynamic stability) indicates that this missense variant is not expected to disrupt ROBO1 protein function with a negative predictive value of 95%. In summary, the available evidence is currently insufficient to determine the role of this variant in disease. Therefore, it has been classified as a Variant of Uncertain Significance.

NM_002941.4(ROBO1):c.4262G>A (p.Arg1421Gln)

Gene: ROBO1 (roundabout guidance receptor 1; minus strand). Cytogenetic location: 3p12.3.
Variant type: single nucleotide variant.
Coding change: c.4262G>A on transcript NM_002941.4 (MANE Select); coding-DNA position 4262, G replaced by A.
Protein change: p.Arg1421Gln; replaces arginine 1421 with glutamine.
Molecular consequence: missense variant.
Genome position (GRCh38, 1-based): chr3:78,617,655, C>T on the plus strand (G>A on the coding strand, the complement: ROBO1 is on the minus strand). VCF-style: chr3-78617655-C-T. GRCh37 (hg19) VCF-style: chr3-78666805-C-T.
Other names: c.3962G>A, p.Arg1321Gln (NM_001145845.2); c.4127G>A, p.Arg1376Gln (NM_133631.4); short protein forms R1376Q, R1421Q, R1321Q.
Identifiers: ClinVar variation 4781596 (VCV004781596.1).